The following is an entry in ClinVar:

ClinVar aggregate classification (germline): Likely pathogenic (1 of 4 stars; one submission).

Conditions:
Phenylketonuria (PKU). Also called: FOLLING DISEASE; OLIGOPHRENIA PHENYLPYRUVICA; Phenylketonurias; Phenylketonuria (PKU). Identifiers: Orphanet 716, MedGen C0031485, MONDO:0009861, OMIM 261600. Disease mechanism: loss of function.

Submission:

Labcorp Genetics (formerly Invitae), Labcorp
Classification: Likely pathogenic for Phenylketonuria. Last evaluated: 2025-12-04. Review status: criteria provided, single submitter. Criteria: Invitae Variant Classification Sherloc (09022015). Collection method: clinical testing. Allele origin: germline.
Comment: This sequence change replaces valine, which is neutral and non-polar, with alanine, which is neutral and non-polar, at codon 177 of the PAH protein (p.Val177Ala). This variant is not present in population databases (gnomAD no frequency). This missense change has been observed in individual(s) with phenylalanine hydroxylase deficiency (PMID: 36845377). In at least one individual the data is consistent with being in trans (on the opposite chromosome) from a pathogenic variant. Invitae Evidence Modeling of protein sequence and biophysical properties (such as structural, functional, and spatial information, amino acid conservation, physicochemical variation, residue mobility, and thermodynamic stability) indicates that this missense variant is not expected to disrupt PAH protein function with a negative predictive value of 80%. This variant disrupts the p.Val177 amino acid residue in PAH. Other variant(s) that disrupt this residue have been determined to be pathogenic (PMID: 8659548, 8807331, 22513348, 23430547, 24789341, 25087612, 26666653). This suggests that this residue is clinically significant, and that variants that disrupt this residue are likely to be disease-causing. In summary, the currently available evidence indicates that the variant is pathogenic, but additional data are needed to prove that conclusively. Therefore, this variant has been classified as Likely Pathogenic.

Literature cited by the submitters: PubMed 36845377; PubMed 8659548; PubMed 8807331; PubMed 22513348; PubMed 23430547; PubMed 24789341; PubMed 25087612; PubMed 26666653.

NM_000277.3(PAH):c.530T>C (p.Val177Ala)

Gene: PAH (phenylalanine hydroxylase; minus strand). Cytogenetic location: 12q23.2.
Variant type: single nucleotide variant.
Coding change: c.530T>C on transcript NM_000277.3 (MANE Select); coding-DNA position 530, T replaced by C.
Protein change: p.Val177Ala; replaces valine 177 with alanine.
Molecular consequence: missense variant.
Genome position (GRCh38, 1-based): chr12:102,855,312, A>G on the plus strand (T>C on the coding strand, the complement: PAH is on the minus strand). VCF-style: chr12-102855312-A-G. GRCh37 (hg19) VCF-style: chr12-103249090-A-G.
Other names: c.530T>C, p.Val177Ala (NM_001354304.2); short protein forms V177A.
Identifiers: ClinVar variation 4710022 (VCV004710022.1).
Genomic context (GRCh38, chr12:102,855,312, plus strand): 5'-AAGGACTTCAGAGTCTTGAACACTGTGCCCCATGTTTTCTTTTCTTCCTCCATGTATTCC[A>G]CTCGAGGGATGGGCTGCCCACTAGAATACAGGCACAAAATAGGTGTCTCAAGCAGGGCAG-3'
Protein context (NP_000268.1, residues 167-187): NYRHGQPIPR[Val177Ala]EYMEEEKKTW